The following is an entry in ClinVar:

NM_000093.5(COL5A1):c.1480G>C (p.Asp494His)

Gene: COL5A1 (collagen type V alpha 1 chain; plus strand). Cytogenetic location: 9q34.3.
Variant type: single nucleotide variant.
Coding change: c.1480G>C on transcript NM_000093.5 (MANE Select); coding-DNA position 1480, G replaced by C.
Protein change: p.Asp494His; replaces aspartic acid 494 with histidine.
Molecular consequence: missense variant.
Genome position (GRCh38, 1-based): chr9:134,738,794, G>C. VCF-style: chr9-134738794-G-C. GRCh37 (hg19) VCF-style: chr9-137630640-G-C.
Other names: c.1480G>C, p.Asp494His (NM_001278074.1); short protein forms D494H.
Identifiers: ClinVar variation 3906076 (VCV003906076.10).

ClinVar aggregate classification (germline): Uncertain significance (1 of 4 stars; one submission).

Submission:

CeGaT Center for Human Genetics Tuebingen
Classification: Uncertain significance. Last evaluated: 2025-06-01. Review status: criteria provided, single submitter. Criteria: CeGaT Center For Human Genetics Tuebingen Variant Classification Criteria Version 2. Collection method: clinical testing. Allele origin: germline. Affected: yes. Observed: 1 variant allele.
Comment: COL5A1: PM2